The following is an entry in ClinVar:

ClinVar aggregate classification (germline): Uncertain significance (1 of 4 stars; one submission).

Conditions:
Hereditary cancer-predisposing syndrome. Also called: Hereditary Cancer Syndrome; Neoplastic Syndromes, Hereditary; Tumor predisposition; Hereditary neoplastic syndrome. Identifiers: Orphanet 140162, MedGen C0027672, MeSH D009386, MONDO:0015356.

Submission:

Ambry Genetics
Classification: Uncertain significance for Hereditary cancer-predisposing syndrome. Last evaluated: 2017-09-13. Review status: criteria provided, single submitter. Criteria: Ambry Variant Classification Scheme 2023. Collection method: clinical testing. Allele origin: germline.
Comment: The p.E1616K variant (also known as c.4846G>A), located in coding exon 33 of the SMARCA4 gene, results from a G to A substitution at nucleotide position 4846. The glutamic acid at codon 1616 is replaced by lysine, an amino acid with similar properties. This amino acid position is highly conserved in available vertebrate species. In addition, the in silico prediction for this alteration is inconclusive. Since supporting evidence is limited at this time, the clinical significance of this alteration remains unclear.

NM_003072.5(SMARCA4):c.4750G>A (p.Glu1584Lys)

Gene: SMARCA4 (SWI/SNF related BAF chromatin remodeling complex subunit ATPase 4; plus strand). Cytogenetic location: 19p13.2.
Variant type: single nucleotide variant.
Coding change: c.4750G>A on transcript NM_003072.5 (MANE Select); coding-DNA position 4750, G replaced by A.
Protein change: p.Glu1584Lys; replaces glutamic acid 1584 with lysine.
Molecular consequence: missense variant. On other transcripts: non-coding transcript variant (1).
Genome position (GRCh38, 1-based): chr19:11,059,867, G>A. VCF-style: chr19-11059867-G-A. GRCh37 (hg19) VCF-style: chr19-11170543-G-A.
Other names: c.4750G>A, p.Glu1584Lys (NM_001128844.3); c.4660G>A, p.Glu1554Lys (NM_001128845.2); c.4657G>A, p.Glu1553Lys (NM_001128846.2); c.4651G>A, p.Glu1551Lys (NM_001128847.4, NM_001374457.1); c.4648G>A, p.Glu1550Lys (NM_001128848.2); c.4846G>A, p.Glu1616Lys (NM_001128849.3, NM_001387283.1); short protein forms E1616K, E1554K, E1584K, E1551K, E1553K, E1550K.
Identifiers: ClinVar variation 480697 (VCV000480697.5), dbSNP rs1555796013, ClinGen allele CA404079798.